The following is an entry in ClinVar:

ClinVar aggregate classification (germline): Likely benign. Review status: criteria provided, multiple submitters, no conflicts (2 of 4 stars). 3 submissions from 3 submitters: Likely benign (2). 1 of the submissions does not count toward it. Last evaluated 2026-01-18.

Conditions:
Jeune thoracic dystrophy. Also called: Short-rib thoracic dysplasia; Jeune syndrome; Infantile thoracic dystrophy; Thoracic pelvic phalangeal dystrophy; Jeune's syndrome; Chondroectodermal dysplasia-like syndrome. Identifiers: Orphanet 474, MedGen C0265275, MONDO:0018770.
DYNC2H1-related disorder. Also called: DYNC2H1-related condition; DYNC2H1-related disorders. Identifiers: MedGen CN378770.

Submissions (3):

Labcorp Genetics (formerly Invitae), Labcorp
Classification: Likely benign for Jeune thoracic dystrophy. Last evaluated: 2026-01-18. Review status: criteria provided, single submitter. Criteria: Invitae Variant Classification Sherloc (09022015). Collection method: clinical testing. Allele origin: germline.

Blueprint Genetics
Classification: Likely benign. Last evaluated: 2024-09-24. Review status: criteria provided, single submitter. Criteria: ACMG Guidelines, 2015. Collection method: clinical testing. Allele origin: germline.

PreventionGenetics, part of Exact Sciences
Classification: Likely benign for DYNC2H1-related condition. Last evaluated: 2019-03-27. Review status: no assertion criteria provided. Collection method: clinical testing. Allele origin: germline. Not counted in ClinVar's aggregate classification.
Comment: This variant is classified as likely benign based on ACMG/AMP sequence variant interpretation guidelines (Richards et al. 2015 PMID: 25741868, with internal and published modifications).

NM_001377.3(DYNC2H1):c.11382+7_11382+16del

Gene: DYNC2H1 (dynein cytoplasmic 2 heavy chain 1; plus strand). Cytogenetic location: 11q22.3.
Variant type: Deletion.
Coding change: c.11382+7_11382+16del on transcript NM_001377.3 (MANE Select); bases 7 to 16 of the intron after coding-DNA position 11382, 10 bases deleted (TCAGATAAAT; older notation c.11382+7_11382+16delTCAGATAAAT).
Molecular consequence: intron variant.
Genome position (GRCh38, 1-based): chr11:103,304,727-103,304,736, TCAGATAAAT deleted; deleting any 10 consecutive bases within chr11:103,304,725-103,304,736 gives the same sequence; the c. name uses the placement nearest the transcript's 3' end. VCF-style (leftmost placement, unchanged base first): chr11-103304724-GATTCAGATAA-G. GRCh37 (hg19) VCF-style: chr11-103175453-GATTCAGATAA-G.
Other names: c.11403+7_11403+16del10 (NM_001080463.1); c.11403+7_11403+16del (NM_001080463.1, NM_001080463.2).
Identifiers: ClinVar variation 699017 (VCV000699017.12), dbSNP rs769400590, ClinGen allele CA6255241.